The following is an entry in ClinVar:

ClinVar aggregate classification (germline): Benign/Likely benign. Review status: criteria provided, multiple submitters, no conflicts (2 of 4 stars). 3 submissions from 3 submitters: Benign (1); Likely benign (1). 1 of the submissions does not count toward it. Last evaluated 2024-10-18.

Conditions:
VARS1-related disorder. Also called: VARS1-related condition.

Allele frequency attached by ClinVar (database versions not stated): gnomAD exomes 0.00046 and 0.00113; ExAC 0.00129; gnomAD 0.00451 and 0.00483; ESP Exome Variant Server 0.00462; TOPMed 0.00519; 1000 Genomes Project 30x 0.00547; 1000 Genomes Project 0.00559.
gnomAD v4.1: 1,390 of 1,613,376 alleles (0.086%); highest among the groups gnomAD compares: African/African-American, 1.6%; 11 homozygotes.

Submissions (3):

Blueprint Genetics
Classification: Likely benign. Last evaluated: 2024-10-18. Review status: criteria provided, single submitter. Criteria: ACMG Guidelines, 2015. Collection method: clinical testing. Allele origin: germline.

Labcorp Genetics (formerly Invitae), Labcorp
Classification: Benign. Last evaluated: 2019-12-31. Review status: criteria provided, single submitter. Criteria: Invitae Variant Classification Sherloc (09022015). Collection method: clinical testing. Allele origin: germline.

PreventionGenetics, part of Exact Sciences
Classification: Benign for VARS1-related condition. Last evaluated: 2019-02-25. Review status: no assertion criteria provided. Collection method: clinical testing. Allele origin: germline. Not counted in ClinVar's aggregate classification.
Comment: This variant is classified as benign based on ACMG/AMP sequence variant interpretation guidelines (Richards et al. 2015 PMID: 25741868, with internal and published modifications).

NM_006295.3(VARS1):c.502T>C (p.Leu168=)

Genes: VARS1 (valyl-tRNA synthetase 1; minus strand), LOC126859651 (CDK7 strongly-dependent group 2 enhancer GRCh37_chr6:31759783-31760982; plus strand). Cytogenetic location: 6p21.33.
Variant type: single nucleotide variant.
Coding change: c.502T>C on transcript NM_006295.3 (MANE Select); coding-DNA position 502, T replaced by C.
Protein change: p.Leu168=; no amino-acid change (leucine 168 retained).
Molecular consequence: synonymous variant.
Genome position (GRCh38, 1-based): chr6:31,793,006, A>G on the plus strand (T>C on the coding strand, the complement: VARS1 is on the minus strand). VCF-style: chr6-31793006-A-G. GRCh37 (hg19) VCF-style: chr6-31760783-A-G.
Identifiers: ClinVar variation 709046 (VCV000709046.7), dbSNP rs148951521, ClinGen allele CA3723556.